The following is an entry in ClinVar:

NM_177438.3(DICER1):c.4208C>T (p.Thr1403Ile)

Gene: DICER1 (dicer 1, ribonuclease III; minus strand). Cytogenetic location: 14q32.13.
Variant type: single nucleotide variant.
Coding change: c.4208C>T on transcript NM_177438.3 (MANE Select); coding-DNA position 4208, C replaced by T.
Protein change: p.Thr1403Ile; replaces threonine 1403 with isoleucine.
Molecular consequence: missense variant.
Genome position (GRCh38, 1-based): chr14:95,096,712, G>A on the plus strand (C>T on the coding strand, the complement: DICER1 is on the minus strand). VCF-style: chr14-95096712-G-A. GRCh37 (hg19) VCF-style: chr14-95563049-G-A.
Other names: c.4208C>T, p.Thr1403Ile (NM_001195573.1, NM_001271282.3, NM_001291628.2 and 1 more transcripts); short protein forms T1403I.
Identifiers: ClinVar variation 859323 (VCV000859323.14), dbSNP rs1890389336, ClinGen allele CA390869899.

ClinVar aggregate classification (germline): Uncertain significance. Review status: criteria provided, multiple submitters, no conflicts (2 of 4 stars). 2 submissions from 2 submitters: Uncertain significance (2). Last evaluated 2024-07-18.

Conditions:
DICER1-related tumor predisposition. Also called: DICER1 syndrome; DICER1-related pleuropulmonary blastoma cancer predisposition syndrome. Identifiers: Orphanet 284343, MedGen C3839822, MONDO:0100216.
Hereditary cancer-predisposing syndrome. Also called: Hereditary neoplastic syndrome; Tumor predisposition; Neoplastic Syndromes, Hereditary; Hereditary Cancer Syndrome. Identifiers: Orphanet 140162, MedGen C0027672, MeSH D009386, MONDO:0015356.

Submissions (2):

Ambry Genetics
Classification: Uncertain significance for Hereditary cancer-predisposing syndrome. Last evaluated: 2024-07-18. Review status: criteria provided, single submitter. Criteria: Ambry Variant Classification Scheme 2023. Collection method: clinical testing. Allele origin: germline.
Comment: The p.T1403I variant (also known as c.4208C>T), located in coding exon 22 of the DICER1 gene, results from a C to T substitution at nucleotide position 4208. The threonine at codon 1403 is replaced by isoleucine, an amino acid with similar properties. This amino acid position is well conserved in available vertebrate species. In addition, the in silico prediction for this alteration is inconclusive. Based on the available evidence, the clinical significance of this variant remains unclear.

Labcorp Genetics (formerly Invitae), Labcorp
Classification: Uncertain significance for DICER1-related tumor predisposition. Last evaluated: 2024-02-04. Review status: criteria provided, single submitter. Criteria: Invitae Variant Classification Sherloc (09022015). Collection method: clinical testing. Allele origin: germline.
Comment: This sequence change replaces threonine, which is neutral and polar, with isoleucine, which is neutral and non-polar, at codon 1403 of the DICER1 protein (p.Thr1403Ile). This variant is not present in population databases (gnomAD no frequency). This variant has not been reported in the literature in individuals affected with DICER1-related conditions. ClinVar contains an entry for this variant (Variation ID: 859323). An algorithm developed to predict the effect of missense changes on protein structure and function (PolyPhen-2) suggests that this variant is likely to be tolerated. In summary, the available evidence is currently insufficient to determine the role of this variant in disease. Therefore, it has been classified as a Variant of Uncertain Significance.